The following is an entry in ClinVar:

NM_000540.3(RYR1):c.12409G>A (p.Asp4137Asn)

Gene: RYR1 (ryanodine receptor 1; plus strand). Cytogenetic location: 19q13.2.
Variant type: single nucleotide variant.
Coding change: c.12409G>A on transcript NM_000540.3 (MANE Select); coding-DNA position 12409, G replaced by A.
Protein change: p.Asp4137Asn; replaces aspartic acid 4137 with asparagine.
Molecular consequence: missense variant.
Genome position (GRCh38, 1-based): chr19:38,561,239, G>A. VCF-style: chr19-38561239-G-A. GRCh37 (hg19) VCF-style: chr19-39051879-G-A.
Other names: c.12394G>A, p.Asp4132Asn (NM_001042723.2); short protein forms D4137N, D4132N.
Identifiers: ClinVar variation 1943125 (VCV001943125.6), dbSNP rs200312759, ClinGen allele CA080677.

ClinVar aggregate classification (germline): Uncertain significance. Review status: criteria provided, multiple submitters, no conflicts (2 of 4 stars). 3 submissions from 3 submitters: Uncertain significance (3). Last evaluated 2025-03-31.

Conditions:
Inborn genetic diseases. Identifiers: MedGen C0950123, MeSH D030342.
Malignant hyperthermia, susceptibility to, 1 (MHS1). Also called: Malignant hyperthermia suceptibility 1; Anesthesia related hyperthermia; Malignant hyperpyrexia; Fulminating hyperpyrexia; Pharmacogenic myopathy; RYR1-Related Malignant Hyperthermia Susceptibility. Identifiers: Orphanet 423, MedGen C2930980, MONDO:0007783, OMIM 145600.
RYR1-related disorder. Also called: RYR1-related condition; RYR1-related disorders. Identifiers: MedGen CN239331.

Allele frequency attached by ClinVar (database versions not stated): ExAC 0.00003; 1000 Genomes Project 30x 0.00016; 1000 Genomes Project 0.00020.
gnomAD v4.1: 17 of 1,614,070 alleles (0.0011%); highest among the groups gnomAD compares: Admixed American, 0.023%; no homozygotes.

Submissions (3):

Labcorp Genetics (formerly Invitae), Labcorp
Classification: Uncertain significance for RYR1-related disorder. Last evaluated: 2025-03-31. Review status: criteria provided, single submitter. Criteria: Invitae Variant Classification Sherloc (09022015). Collection method: clinical testing. Allele origin: germline.
Comment: This sequence change replaces aspartic acid, which is acidic and polar, with asparagine, which is neutral and polar, at codon 4137 of the RYR1 protein (p.Asp4137Asn). This variant is present in population databases (rs200312759, gnomAD 0.03%). This variant has not been reported in the literature in individuals affected with RYR1-related conditions. ClinVar contains an entry for this variant (Variation ID: 1943125). Invitae Evidence Modeling of protein sequence and biophysical properties (such as structural, functional, and spatial information, amino acid conservation, physicochemical variation, residue mobility, and thermodynamic stability) has been performed for this missense variant. However, the output from this modeling did not meet the statistical confidence thresholds required to predict the impact of this variant on RYR1 protein function. In summary, the available evidence is currently insufficient to determine the role of this variant in disease. Therefore, it has been classified as a Variant of Uncertain Significance.

Ambry Genetics
Classification: Uncertain significance for Inborn genetic diseases. Last evaluated: 2025-02-08. Review status: criteria provided, single submitter. Criteria: Ambry Variant Classification Scheme 2023. Collection method: clinical testing. Allele origin: germline.

All of Us Research Program, National Institutes of Health
Classification: Uncertain significance for Malignant hyperthermia, susceptibility to, 1. Last evaluated: 2023-10-30. Review status: criteria provided, single submitter. Criteria: ACMG Guidelines, 2015. Collection method: clinical testing. Allele origin: germline. Inheritance: Autosomal dominant inheritance. Observed: 3 variant alleles, 3 heterozygotes.
Comment: This missense variant replaces aspartic acid with asparagine at codon 4137 of the RYR1 protein. Computational prediction suggests that this variant may have deleterious impact on protein structure and function (internally defined REVEL score threshold >= 0.7, PMID: 27666373). To our knowledge, functional studies have not been reported for this variant. This variant has not been reported in individuals affected with RYR1-related disorders in the literature. This variant has been identified in 12/251142 chromosomes in the general population by the Genome Aggregation Database (gnomAD). The available evidence is insufficient to determine the role of this variant in disease conclusively. Therefore, this variant is classified as a Variant of Uncertain Significance.

This study involves interpretation of variants in research participants for the purpose of population health screening. Participant phenotype was not available at the time of variant classification. Additional details can be found in publication PMID: 35346344, PMCID: PMC8962531